The following is an entry in ClinVar:

NM_001276270.2(MBD4):c.1634A>G (p.Asn545Ser)

Gene: MBD4 (methyl-CpG binding domain 4, DNA glycosylase; minus strand). Cytogenetic location: 3q21.3.
Variant type: single nucleotide variant.
Coding change: c.1634A>G on transcript NM_001276270.2 (MANE Select); coding-DNA position 1634, A replaced by G.
Protein change: p.Asn545Ser; replaces asparagine 545 with serine.
Molecular consequence: missense variant. On other transcripts: intron variant (1).
Genome position (GRCh38, 1-based): chr3:129,432,516, T>C on the plus strand (A>G on the coding strand, the complement: MBD4 is on the minus strand). VCF-style: chr3-129432516-T-C. GRCh37 (hg19) VCF-style: chr3-129151359-T-C.
Other names: c.1652A>G, p.Asn551Ser (NM_001276271.2, NM_003925.3); c.698A>G, p.Asn233Ser (NM_001276273.2); c.1612+40A>G (NM_001276272.2); short protein forms N551S, N233S, N545S.
Identifiers: ClinVar variation 2718750 (VCV002718750.4), dbSNP rs577234840, ClinGen allele CA2605242.

ClinVar aggregate classification (germline): Uncertain significance. Review status: criteria provided, multiple submitters, no conflicts (2 of 4 stars). 2 submissions from 2 submitters: Uncertain significance (2). Last evaluated 2026-01-19.

Conditions:
Inborn genetic diseases. Identifiers: MedGen C0950123, MeSH D030342.

Allele frequency attached by ClinVar (database versions not stated): 1000 Genomes Project 30x 0.00031; gnomAD exomes 0.00001; TOPMed 0.00001; 1000 Genomes Project 0.00020; gnomAD 0.00001; ExAC 0.00002.

Submissions (2):

Labcorp Genetics (formerly Invitae), Labcorp
Classification: Uncertain significance. Last evaluated: 2026-01-19. Review status: criteria provided, single submitter. Criteria: Invitae Variant Classification Sherloc (09022015). Collection method: clinical testing. Allele origin: germline.
Comment: This sequence change replaces asparagine, which is neutral and polar, with serine, which is neutral and polar, at codon 551 of the MBD4 protein (p.Asn551Ser). This variant is present in population databases (rs577234840, gnomAD 0.004%). This missense change has been observed in individual(s) with uveal melanoma (PMID: 32239153). ClinVar contains an entry for this variant (Variation ID: 2718750). An algorithm developed to predict the effect of missense changes on protein structure and function (PolyPhen-2) suggests that this variant is likely to be disruptive. In summary, the available evidence is currently insufficient to determine the role of this variant in disease. Therefore, it has been classified as a Variant of Uncertain Significance.

Ambry Genetics
Classification: Uncertain significance for Inborn genetic diseases. Last evaluated: 2024-11-26. Review status: criteria provided, single submitter. Criteria: Ambry Variant Classification Scheme 2023. Collection method: clinical testing. Allele origin: germline.
Comment: The p.N545S variant (also known as c.1634A>G), located in coding exon 7 of the MBD4 gene, results from an A to G substitution at nucleotide position 1634. The asparagine at codon 545 is replaced by serine, an amino acid with highly similar properties. This amino acid position is conserved. In addition, this alteration is predicted to be tolerated by in silico analysis. Based on the available evidence, the clinical significance of this variant remains unclear.

Literature cited by the submitters: PubMed 32239153 (cited by Labcorp Genetics (formerly Invitae), Labcorp).